The following is an entry in ClinVar:

NM_000390.4(CHM):c.768del (p.Glu256fs)

Gene: CHM (CHM Rab escort protein; minus strand). Cytogenetic location: Xq21.2.
Variant type: Deletion.
Coding change: c.768del on transcript NM_000390.4 (MANE Select); coding-DNA position 768, one base deleted (G; older notation c.768delG).
Protein change: p.Glu256fs; shifts the reading frame from glutamic acid 256.
Molecular consequence: frameshift variant.
Genome position (GRCh38, 1-based): chrX:85,958,912, C deleted on the plus strand (G on the coding strand, the reverse complement: CHM is on the minus strand). VCF-style (leftmost placement, unchanged base first): chrX-85958911-AC-A. GRCh37 (hg19) VCF-style: chrX-85213916-AC-A.
Other names: c.324del, p.Glu108fs (NM_001320959.1, NM_001362517.1, NM_001362518.2 and 1 more transcripts); short protein forms E108fs, E256fs.
Identifiers: ClinVar variation 1191248 (VCV001191248.5), dbSNP rs2147667424, ClinGen allele CA2499226907.

ClinVar aggregate classification (germline): Pathogenic. Review status: criteria provided, multiple submitters, no conflicts (2 of 4 stars). 2 submissions from 2 submitters: Pathogenic (2). Last evaluated 2023-09-13.

Submissions (2):

Labcorp Genetics (formerly Invitae), Labcorp
Classification: Pathogenic. Last evaluated: 2023-09-13. Review status: criteria provided, single submitter. Criteria: Invitae Variant Classification Sherloc (09022015). Collection method: clinical testing. Allele origin: germline.
Comment: For these reasons, this variant has been classified as Pathogenic. ClinVar contains an entry for this variant (Variation ID: 1191248). This variant is also known as 798delG. This premature translational stop signal has been observed in individual(s) with choroideremia (PMID: 12203991). This variant is not present in population databases (gnomAD no frequency). This sequence change creates a premature translational stop signal (p.Glu256Aspfs*35) in the CHM gene. It is expected to result in an absent or disrupted protein product. Loss-of-function variants in CHM are known to be pathogenic (PMID: 9067750, 23811034).

GeneDx
Classification: Pathogenic. Last evaluated: 2020-06-15. Review status: criteria provided, single submitter. Criteria: GeneDx Variant Classification Process June 2021. Collection method: clinical testing. Allele origin: germline. Affected: yes.
Comment: Frameshift variant predicted to result in protein truncation or nonsense mediated decay in a gene for which loss-of-function is a known mechanism of disease; Not observed in large population cohorts (Lek et al., 2016); This variant is associated with the following publications: (PMID: 12203991, 29555028)

Literature cited by the submitters: PubMed 12203991 (cited by Labcorp Genetics (formerly Invitae), Labcorp); PubMed 9067750 (cited by Labcorp Genetics (formerly Invitae), Labcorp); PubMed 23811034 (cited by Labcorp Genetics (formerly Invitae), Labcorp).